The following is an entry in ClinVar:

ClinVar aggregate classification (germline): Pathogenic (1 of 4 stars; one submission).

Conditions:
Recessive dystrophic epidermolysis bullosa (RDEB). Also called: DYSTROPHIC EPIDERMOLYSIS BULLOSA, AUTOSOMAL RECESSIVE; EPIDERMOLYSIS BULLOSA DYSTROPHICA, HALLOPEAU-SIEMENS TYPE; Hallopeau-Siemens Disease; severe generalized recessive dystrophic epidermolysis bullosa; EPIDERMOLYSIS BULLOSA DYSTROPHICA, GENERALIZED SEVERE, AUTOSOMAL RECESSIVE; Epidermolysis Bullosa Distrophica Autosomal Recessive (RDEB). Identifiers: Orphanet 79408, Orphanet 79409, MedGen C0079474, MONDO:0009179, OMIM 226600.

Submission:

Myriad Genetics, Inc.
Classification: Pathogenic for Recessive dystrophic epidermolysis bullosa. Last evaluated: 2024-05-11. Review status: criteria provided, single submitter. Criteria: Myriad Autosomal Dominant, Autosomal Recessive and X-Linked Classification Criteria (2023). Collection method: clinical testing. Allele origin: unknown.
Comment: NM_000094.3(COL7A1):c.1935dupA(D646Rfs*94) is expected to be pathogenic in the context of dystrophic epidermolysis bullosa. This variant is predicted to lead to an abnormal or absent protein product due to the creation of a premature termination codon in COL7A1, a gene where loss-of-function variants are known to be pathogenic. Please note: this variant was assessed in the context of healthy population screening.

NM_000094.4(COL7A1):c.1935dup (p.Asp646fs)

Gene: COL7A1 (collagen type VII alpha 1 chain; minus strand). Cytogenetic location: 3p21.31.
Variant type: Duplication.
Coding change: c.1935dup on transcript NM_000094.4 (MANE Select); coding-DNA position 1935, one base duplicated (A; older notation c.1935dupA).
Protein change: p.Asp646fs; shifts the reading frame from aspartic acid 646.
Molecular consequence: frameshift variant.
Genome position (GRCh38, 1-based): chr3:48,590,328, T duplicated on the plus strand (A on the coding strand, the reverse complement: COL7A1 is on the minus strand). VCF-style (leftmost placement, unchanged base first): chr3-48590327-C-CT. GRCh37 (hg19) VCF-style: chr3-48627760-C-CT.
Other names: short protein forms D646fs.
Identifiers: ClinVar variation 5013038 (VCV005013038.1).